The following is an entry in ClinVar:

NM_003803.4(MYOM1):c.554C>T (p.Thr185Met)

Gene: MYOM1 (myomesin 1; minus strand). Cytogenetic location: 18p11.31.
Variant type: single nucleotide variant.
Coding change: c.554C>T on transcript NM_003803.4 (MANE Select); coding-DNA position 554, C replaced by T.
Protein change: p.Thr185Met; replaces threonine 185 with methionine.
Molecular consequence: missense variant.
Genome position (GRCh38, 1-based): chr18:3,188,965, G>A on the plus strand (C>T on the coding strand, the complement: MYOM1 is on the minus strand). VCF-style: chr18-3188965-G-A. GRCh37 (hg19) VCF-style: chr18-3188963-G-A.
Other names: c.554C>T, p.Thr185Met (NM_019856.2); short protein forms T185M.
Identifiers: ClinVar variation 524967 (VCV000524967.13), dbSNP rs761722591, ClinGen allele CA8875218.

ClinVar aggregate classification (germline): Uncertain significance. Review status: criteria provided, multiple submitters, no conflicts (2 of 4 stars). 2 submissions from 2 submitters: Uncertain significance (2). Last evaluated 2025-12-26.

Conditions:
Hypertrophic cardiomyopathy. Also called: HYPERTROPHIC MYOCARDIOPATHY. Identifiers: Orphanet 217569, MedGen C0007194, MeSH D002312, MONDO:0005045, HP:0001639.

Allele frequency attached by ClinVar (database versions not stated): gnomAD exomes 0.00002 and 0.00004; ExAC 0.00002; gnomAD 0.00007; TOPMed 0.00009.
gnomAD v4.1: 45 of 1,613,126 alleles (0.0028%); highest among the groups gnomAD compares: African/African-American, 0.028%; no homozygotes.

Submissions (2):

Labcorp Genetics (formerly Invitae), Labcorp
Classification: Uncertain significance for Hypertrophic cardiomyopathy. Last evaluated: 2025-12-26. Review status: criteria provided, single submitter. Criteria: Invitae Variant Classification Sherloc (09022015). Collection method: clinical testing. Allele origin: germline.
Comment: This sequence change replaces threonine, which is neutral and polar, with methionine, which is neutral and non-polar, at codon 185 of the MYOM1 protein (p.Thr185Met). This variant is present in population databases (rs761722591, gnomAD 0.02%). This variant has not been reported in the literature in individuals affected with MYOM1-related conditions. ClinVar contains an entry for this variant (Variation ID: 524967). An algorithm developed to predict the effect of missense changes on protein structure and function outputs the following: PolyPhen-2: "Benign". The methionine amino acid residue is found in multiple mammalian species, which suggests that this missense change does not adversely affect protein function. In summary, the available evidence is currently insufficient to determine the role of this variant in disease. Therefore, it has been classified as a Variant of Uncertain Significance.

Ambry Genetics
Classification: Uncertain significance. Last evaluated: 2025-12-01. Review status: criteria provided, single submitter. Criteria: Ambry Variant Classification Scheme 2023. Collection method: clinical testing. Allele origin: germline.
Comment: The p.T185M variant (also known as c.554C>T), located in coding exon 3 of the MYOM1 gene, results from a C to T substitution at nucleotide position 554. The threonine at codon 185 is replaced by methionine, an amino acid with similar properties. This amino acid position is conserved. In addition, this alteration is predicted to be tolerated by in silico analysis. Since supporting evidence is limited at this time, the clinical significance of this alteration remains unclear.